The following is an entry in ClinVar:

ClinVar aggregate classification (germline): Benign/Likely benign. Review status: criteria provided, multiple submitters, no conflicts (2 of 4 stars). 3 submissions from 3 submitters: Benign (1); Likely benign (2). Last evaluated 2026-06-03.

Conditions:
Gastrointestinal stromal tumor. Also called: Gastrointestinal stroma tumor; Gastrointestinal stromal tumor, somatic. Identifiers: Orphanet 44890, MedGen C0238198, MeSH D046152, MONDO:0011719, OMIM 606764, HP:0100723.
Hereditary cancer-predisposing syndrome. Also called: Tumor predisposition; Hereditary neoplastic syndrome; Neoplastic Syndromes, Hereditary; Hereditary Cancer Syndrome. Identifiers: Orphanet 140162, MedGen C0027672, MeSH D009386, MONDO:0015356.

Allele frequency attached by ClinVar (database versions not stated): gnomAD below 0.00001 and 0.00001; TOPMed below 0.00001; gnomAD exomes 0.00006; ExAC 0.00008.
gnomAD v4.1: 37 of 1,614,064 alleles (0.0023%); highest among the groups gnomAD compares: South Asian, 0.037%; no homozygotes.

Submissions (3):

Myriad Genetics, Inc.
Classification: Benign for Gastrointestinal stromal tumor. Last evaluated: 2026-06-03. Review status: criteria provided, single submitter. Criteria: Myriad Autosomal Dominant, Autosomal Recessive and X-Linked Classification Criteria (2023). Collection method: clinical testing. Allele origin: unknown.
Comment: This variant is considered benign. This variant is a silent/synonymous amino acid change and it is not expected to impact splicing.

Labcorp Genetics (formerly Invitae), Labcorp
Classification: Likely benign for Gastrointestinal stromal tumor. Last evaluated: 2026-01-26. Review status: criteria provided, single submitter. Criteria: Invitae Variant Classification Sherloc (09022015). Collection method: clinical testing. Allele origin: germline.

Ambry Genetics
Classification: Likely benign for Hereditary cancer-predisposing syndrome. Last evaluated: 2022-08-23. Review status: criteria provided, single submitter. Criteria: Ambry Variant Classification Scheme 2023. Collection method: clinical testing. Allele origin: germline.

NM_000222.3(KIT):c.501G>A (p.Lys167=)

Gene: KIT (KIT proto-oncogene, receptor tyrosine kinase; plus strand). Cytogenetic location: 4q12.
Variant type: single nucleotide variant.
Coding change: c.501G>A on transcript NM_000222.3 (MANE Select); coding-DNA position 501, G replaced by A.
Protein change: p.Lys167=; no amino-acid change (lysine 167 retained).
Molecular consequence: synonymous variant.
Genome position (GRCh38, 1-based): chr4:54,698,447, G>A. VCF-style: chr4-54698447-G-A. GRCh37 (hg19) VCF-style: chr4-55564613-G-A.
Other names: c.501G>A, p.Lys167= (NM_001093772.2, NM_001385284.1, NM_001385285.1 and 4 more transcripts).
Identifiers: ClinVar variation 458950 (VCV000458950.23), dbSNP rs767567085, ClinGen allele CA2923253.
Genomic context (GRCh38, chr4:54,698,447, plus strand): 5'-CCTCAAGGGGTGCCAGGGGAAGCCTCTTCCCAAGGACTTGAGGTTTATTCCTGACCCCAA[G>A]GCGGGCATCATGATCAAAAGTGTGAAACGCGCCTACCATCGGCTCTGTCTGCATTGTTCT-3'
Protein context (NP_000213.1, residues 157-177): PKDLRFIPDP[Lys167=]AGIMIKSVKR